The following is an entry in ClinVar:

ClinVar aggregate classification (germline): Uncertain significance (1 of 4 stars; one submission).

Conditions:
Inborn genetic diseases. Identifiers: MedGen C0950123, MeSH D030342.

Submission:

Ambry Genetics
Classification: Uncertain significance for Inborn genetic diseases. Last evaluated: 2022-12-12. Review status: criteria provided, single submitter. Criteria: Ambry Variant Classification Scheme 2023. Collection method: clinical testing. Allele origin: germline.
Comment: The p.G23A variant (also known as c.68G>C), located in coding exon 1 of the ACD gene, results from a G to C substitution at nucleotide position 68. The glycine at codon 23 is replaced by alanine, an amino acid with similar properties. This amino acid position is conserved. In addition, this alteration is predicted to be tolerated by in silico analysis. Since supporting evidence is limited at this time, the clinical significance of this alteration remains unclear.

NM_001082486.1(ACD):c.68G>C (p.Gly23Ala)

Genes: ACD (ACD shelterin complex subunit and telomerase recruitment factor; minus strand), LOC130059224 (ATAC-STARR-seq lymphoblastoid silent region 7617; plus strand). Cytogenetic location: 16q22.1.
Variant type: single nucleotide variant.
Coding change: c.68G>C on transcript NM_001082486.1; coding-DNA position 68, G replaced by C.
Protein change: p.Gly23Ala; replaces glycine 23 with alanine.
Genome position (GRCh38, 1-based): chr16:67,660,411, C>G on the plus strand (G>C on the coding strand, the complement: ACD is on the minus strand). VCF-style: chr16-67660411-C-G. GRCh37 (hg19) VCF-style: chr16-67694314-C-G.
Other names: short protein forms G23A.
Identifiers: ClinVar variation 2452439 (VCV002452439.2), dbSNP rs773098268, ClinGen allele CA396359971.